The following is an entry in ClinVar:

ClinVar aggregate classification (germline): Uncertain significance. Review status: criteria provided, multiple submitters, no conflicts (2 of 4 stars). 2 submissions from 2 submitters: Uncertain significance (2). Last evaluated 2026-04-02.

gnomAD v4.1: 6 of 1,534,944 alleles (0.00039%); highest among the groups gnomAD compares: Admixed American, 0.0039%; no homozygotes.

Submissions (2):

GeneDx
Classification: Uncertain significance. Last evaluated: 2026-04-02. Review status: criteria provided, single submitter. Criteria: GeneDx Variant Classification Process June 2021. Collection method: clinical testing. Allele origin: germline.
Comment: In silico analysis suggests that this missense variant does not alter protein structure/function; Has not been previously published as pathogenic or benign to our knowledge

Labcorp Genetics (formerly Invitae), Labcorp
Classification: Uncertain significance. Last evaluated: 2025-01-06. Review status: criteria provided, single submitter. Criteria: Invitae Variant Classification Sherloc (09022015). Collection method: clinical testing. Allele origin: germline.
Comment: This sequence change replaces serine, which is neutral and polar, with leucine, which is neutral and non-polar, at codon 6 of the LHCGR protein (p.Ser6Leu). This variant is not present in population databases (gnomAD no frequency). This variant has not been reported in the literature in individuals affected with LHCGR-related conditions. ClinVar contains an entry for this variant (Variation ID: 2997230). Invitae Evidence Modeling of protein sequence and biophysical properties (such as structural, functional, and spatial information, amino acid conservation, physicochemical variation, residue mobility, and thermodynamic stability) indicates that this missense variant is not expected to disrupt LHCGR protein function with a negative predictive value of 95%. In summary, the available evidence is currently insufficient to determine the role of this variant in disease. Therefore, it has been classified as a Variant of Uncertain Significance.

NM_000233.4(LHCGR):c.17C>T (p.Ser6Leu)

Genes: LHCGR (luteinizing hormone/choriogonadotropin receptor; minus strand), STON1-GTF2A1L (STON1-GTF2A1L readthrough; plus strand). Cytogenetic location: 2p16.3.
Variant type: single nucleotide variant.
Coding change: c.17C>T on transcript NM_000233.4 (MANE Select); coding-DNA position 17, C replaced by T.
Protein change: p.Ser6Leu; replaces serine 6 with leucine.
Molecular consequence: missense variant. On other transcripts: intron variant (1).
Genome position (GRCh38, 1-based): chr2:48,755,655, G>A on the plus strand (C>T on the coding strand, the complement: LHCGR is on the minus strand). VCF-style: chr2-48755655-G-A. GRCh37 (hg19) VCF-style: chr2-48982794-G-A.
Other names: c.3442-20625G>A (NM_001198593.2); c.17C>T (NM_000233.3); short protein forms S6L.
Identifiers: ClinVar variation 2997230 (VCV002997230.4), dbSNP rs1558913953, ClinGen allele CA346815673.